The following is an entry in ClinVar:

ClinVar aggregate classification (germline): Likely benign (0 of 4 stars; one submission).

Conditions:
ABCG1-related disorder. Also called: ABCG1-related condition.

Submission:

PreventionGenetics, part of Exact Sciences
Classification: Likely benign for ABCG1-related condition. Last evaluated: 2019-04-25. Review status: no assertion criteria provided. Collection method: clinical testing. Allele origin: germline.
Comment: This variant is classified as likely benign based on ACMG/AMP sequence variant interpretation guidelines (Richards et al. 2015 PMID: 25741868, with internal and published modifications).

NM_016818.3(ABCG1):c.-38GCC[5]

Gene: ABCG1 (ATP binding cassette subfamily G member 1; plus strand). Cytogenetic location: 21q22.3.
Variant type: Microsatellite.
Coding change: c.-38GCC[5] on transcript NM_016818.3 (MANE Select); five copies in a row of the 3-base unit GCC starting at c.-38; the reference has ten copies in a row; five copies, 15 bases deleted.
Molecular consequence: 5 prime UTR variant. On other transcripts: intron variant (3).
Genome position (GRCh38, 1-based): chr21:42,219,240-42,219,254, GCCGCCGCCGCCGCC deleted; deleting any 15 consecutive bases within chr21:42,219,223-42,219,254 gives the same sequence; the position shown is the placement nearest the transcript's 3' end. VCF-style (leftmost placement, unchanged base first): chr21-42219222-CCCGCCGCCGCCGCCG-C. GRCh37 (hg19) VCF-style: chr21-43639332-CCCGCCGCCGCCGCCG-C.
Other names: c.-38GCC[5] (NM_004915.4); c.49-6448CCG[5] (NM_207627.2); c.-24-6448CCG[5] (NM_207628.1); c.33+3035CCG[5] (NM_207629.2).
Identifiers: ClinVar variation 3047646 (VCV003047646.2), dbSNP rs2234716, ClinGen allele CA749493472.
Genomic context (GRCh38, chr21:42,219,222, plus strand): 5'-CCCGCGCAGCGGCTGAGCCGGGAGCCAGCGCAGCCTCGGCCCCGCAGCTCAAGCCTCGTC[CCCGCCGCCGCCGCCG>C]CCGCCGCCGCCGCCGCCCCCGGGGCATGGCCTGTCTGATGGCCGCTTTCTCGGTCGGCAC-3'